The following is an entry in ClinVar:

NM_017763.6(RNF43):c.801C>T (p.Ser267=)

Gene: RNF43 (ring finger protein 43; minus strand). Cytogenetic location: 17q22.
Variant type: single nucleotide variant.
Coding change: c.801C>T on transcript NM_017763.6 (MANE Select); coding-DNA position 801, C replaced by T.
Protein change: p.Ser267=; no amino-acid change (serine 267 retained).
Molecular consequence: synonymous variant.
Genome position (GRCh38, 1-based): chr17:58,360,831, G>A on the plus strand (C>T on the coding strand, the complement: RNF43 is on the minus strand). VCF-style: chr17-58360831-G-A. GRCh37 (hg19) VCF-style: chr17-56438192-G-A.
Other names: c.801C>T, p.Ser267= (NM_001305544.3); c.420C>T, p.Ser140= (NM_001305545.2).
Identifiers: ClinVar variation 3789910 (VCV003789910.2).

ClinVar aggregate classification (germline): Benign/Likely benign. Review status: criteria provided, multiple submitters, no conflicts (2 of 4 stars). 2 submissions from 2 submitters: Benign (1); Likely benign (1). Last evaluated 2026-06-30.

Conditions:
Sessile serrated polyposis cancer syndrome (SSPCS). Identifiers: Orphanet 157798, MedGen C4310714, MONDO:0014919, OMIM 617108.

gnomAD v4.1: 2 of 1,613,174 alleles (0.00012%); highest among the groups gnomAD compares: African/African-American, 0.0013%; no homozygotes.

Submissions (2):

Myriad Genetics, Inc.
Classification: Benign for Sessile serrated polyposis cancer syndrome. Last evaluated: 2026-06-30. Review status: criteria provided, single submitter. Criteria: Myriad Autosomal Dominant, Autosomal Recessive and X-Linked Classification Criteria (2023). Collection method: clinical testing. Allele origin: unknown.
Comment: This variant is considered benign. This variant is a silent/synonymous amino acid change and it is not expected to impact splicing.

Ambry Genetics
Classification: Likely benign. Last evaluated: 2025-01-19. Review status: criteria provided, single submitter. Criteria: Ambry Variant Classification Scheme 2023. Collection method: clinical testing. Allele origin: germline.